The following is an entry in ClinVar:

ClinVar aggregate classification (germline): Pathogenic/Likely pathogenic. Review status: criteria provided, multiple submitters, no conflicts (2 of 4 stars). 6 submissions from 6 submitters: Pathogenic (2); Likely pathogenic (3). 1 of the submissions does not count toward it. Last evaluated 2025-10-22.

Conditions:
Meckel syndrome, type 5 (MKS5). Identifiers: Orphanet 564, MedGen C1969052, MONDO:0012695, OMIM 611561.
Joubert syndrome 7 (JBTS7). Identifiers: Orphanet 220497, MedGen C1969053, MONDO:0012694, OMIM 611560.
COACH syndrome 3. Identifiers: MedGen C5436841, MONDO:0030862, OMIM 619113.
RPGRIP1L-related disorder. Also called: RPGRIP1L-related condition; RPGRIP1L-related disorders. Identifiers: MedGen CN239416.
Meckel-Gruber syndrome. Also called: DYSENCEPHALIA SPLANCHNOCYSTICA; GRUBER SYNDROME; Dysencephalia splachnocystica. Identifiers: Orphanet 564, MedGen C0265215, MONDO:0018921.
Joubert syndrome. Also called: Familial aplasia of the vermis; JOUBERT-BOLTSHAUSER SYNDROME. Identifiers: Orphanet 475, MedGen C5979921, MONDO:0018772.

Allele frequency attached by ClinVar (database versions not stated): gnomAD 0.00001; TOPMed 0.00001; ExAC 0.00002; gnomAD exomes 0.00002 and 0.00003.
gnomAD v4.1: 38 of 1,608,180 alleles (0.0024%); highest among the groups gnomAD compares: Non-Finnish European, 0.0031%; no homozygotes.

Submissions (6):

Natera, Inc.
Classification: Likely pathogenic for Joubert syndrome. Last evaluated: 2025-10-22. Review status: criteria provided, single submitter. Criteria: Natera Variant Classification Schema (03/2026). Collection method: clinical testing. Allele origin: germline.
Comment: The c.1489G>T variant in RPGRIP1L is a nonsense variant predicted to introduce a stop codon at amino acid 497. This variant is expected to result in nonsense mediated decay, truncation, or a dysfunctional protein product. This variant is rare in the general population with a frequency below the threshold expected for the associated phenotype(s). Given the available evidence, this variant is classified as Likely Pathogenic.

Labcorp Genetics (formerly Invitae), Labcorp
Classification: Pathogenic for Joubert syndrome; Meckel-Gruber syndrome. Last evaluated: 2024-11-05. Review status: criteria provided, single submitter. Criteria: Invitae Variant Classification Sherloc (09022015). Collection method: clinical testing. Allele origin: germline.
Comment: This sequence change creates a premature translational stop signal (p.Glu497*) in the RPGRIP1L gene. It is expected to result in an absent or disrupted protein product. Loss-of-function variants in RPGRIP1L are known to be pathogenic (PMID: 17558409). This variant is present in population databases (rs756821449, gnomAD 0.003%). This variant has not been reported in the literature in individuals affected with RPGRIP1L-related conditions. ClinVar contains an entry for this variant (Variation ID: 279885). For these reasons, this variant has been classified as Pathogenic.

Fulgent Genetics
Classification: Likely pathogenic for Joubert syndrome 7; Meckel syndrome, type 5; COACH syndrome 3. Last evaluated: 2024-05-10. Review status: criteria provided, single submitter. Criteria: ACMG Guidelines, 2015. Collection method: clinical testing. Allele origin: germline.

Blueprint Genetics
Classification: Likely pathogenic for RPGRIP1L-related disorders. Last evaluated: 2023-02-13. Review status: criteria provided, single submitter. Criteria: ACMG Guidelines, 2015. Collection method: clinical testing. Allele origin: germline. Affected: yes. Observed: 2 variant alleles.

GeneDx
Classification: Pathogenic. Last evaluated: 2023-02-09. Review status: criteria provided, single submitter. Criteria: GeneDx Variant Classification Process June 2021. Collection method: clinical testing. Allele origin: germline. Affected: yes.
Comment: Nonsense variant predicted to result in protein truncation or nonsense mediated decay in a gene for which loss-of-function is a known mechanism of disease; Not observed at a significant frequency in large population cohorts (gnomAD); Has not been previously published as a germline pathogenic or benign to our knowledge; This variant is associated with the following publications: (PMID: 17558409, 25032700)

PreventionGenetics, part of Exact Sciences
Classification: Likely pathogenic for RPGRIP1L-related condition. Last evaluated: 2024-01-04. Review status: no assertion criteria provided. Collection method: clinical testing. Allele origin: germline. Not counted in ClinVar's aggregate classification.
Comment: The RPGRIP1L c.1489G>T variant is predicted to result in premature protein termination (p.Glu497*). This variant was reported in an individual from an obesity cohort; however, detailed clinical information was not available (Table S2, Al-Humadi et al. 2023. PubMed ID: 37835041). This variant is reported in 0.0044% of alleles in individuals of European (Non-Finnish) descent in gnomAD. Nonsense variants in RPGRIP1L are expected to be pathogenic. This variant is interpreted as likely pathogenic.

Literature cited by the submitters: PubMed 17558409 (cited by Labcorp Genetics (formerly Invitae), Labcorp).

NM_015272.5(RPGRIP1L):c.1489G>T (p.Glu497Ter)

Gene: RPGRIP1L (RPGRIP1 like; minus strand). Cytogenetic location: 16q12.2.
Variant type: single nucleotide variant.
Coding change: c.1489G>T on transcript NM_015272.5 (MANE Select); coding-DNA position 1489, G replaced by T.
Protein change: p.Glu497Ter; replaces glutamic acid 497 with a stop codon.
Molecular consequence: nonsense.
Genome position (GRCh38, 1-based): chr16:53,657,545, C>A on the plus strand (G>T on the coding strand, the complement: RPGRIP1L is on the minus strand). VCF-style: chr16-53657545-C-A. GRCh37 (hg19) VCF-style: chr16-53691457-C-A.
Other names: c.1489G>T, p.Glu497Ter (NM_001127897.4, NM_001308334.3, NM_001330538.2); c.1489G>T (NM_015272.4); short protein forms E497*.
Identifiers: ClinVar variation 279885 (VCV000279885.18), dbSNP rs756821449, ClinGen allele CA8057784.
Genomic context (GRCh38, chr16:53,657,545, plus strand): 5'-TTAGCATGTTTCTTGTCTTTTCCAGCTCTTGCACCGTTTCTGCATGAGTTGCTTGCAGCT[C>A]TCTCATAGAGCGTTCTAGATCTTTATTAATTTCACTATCTACTTTCACTAAAAAGGAAAG-3'